The following is an entry in ClinVar:

ClinVar aggregate classification (germline): Uncertain significance (1 of 4 stars; one submission).

Conditions:
Progressive familial heart block type IB (PFHB1B). Identifiers: Orphanet 871, MedGen C1970298, MONDO:0011474, OMIM 604559.

Submission:

Labcorp Genetics (formerly Invitae), Labcorp
Classification: Uncertain significance for Progressive familial heart block type IB. Last evaluated: 2025-02-18. Review status: criteria provided, single submitter. Criteria: Invitae Variant Classification Sherloc (09022015). Collection method: clinical testing. Allele origin: germline.
Comment: This sequence change replaces phenylalanine, which is neutral and non-polar, with leucine, which is neutral and non-polar, at codon 935 of the TRPM4 protein (p.Phe935Leu). This variant is not present in population databases (gnomAD no frequency). This variant has not been reported in the literature in individuals affected with TRPM4-related conditions. An algorithm developed to predict the effect of missense changes on protein structure and function (PolyPhen-2) suggests that this variant is likely to be disruptive. In summary, the available evidence is currently insufficient to determine the role of this variant in disease. Therefore, it has been classified as a Variant of Uncertain Significance.

NM_017636.4(TRPM4):c.2805C>G (p.Phe935Leu)

Gene: TRPM4 (transient receptor potential cation channel subfamily M member 4; plus strand). Cytogenetic location: 19q13.33.
Variant type: single nucleotide variant.
Coding change: c.2805C>G on transcript NM_017636.4 (MANE Select); coding-DNA position 2805, C replaced by G.
Protein change: p.Phe935Leu; replaces phenylalanine 935 with leucine.
Molecular consequence: missense variant.
Genome position (GRCh38, 1-based): chr19:49,200,637, C>G. VCF-style: chr19-49200637-C-G. GRCh37 (hg19) VCF-style: chr19-49703894-C-G.
Other names: c.2370C>G, p.Phe790Leu (NM_001195227.2); c.2460C>G, p.Phe820Leu (NM_001321281.2); c.1197C>G, p.Phe399Leu (NM_001321282.2); c.2283C>G, p.Phe761Leu (NM_001321283.2); c.1743C>G, p.Phe581Leu (NM_001321285.2); short protein forms F399L, F581L, F761L, F790L, F820L, F935L.
Identifiers: ClinVar variation 4807610 (VCV004807610.1).